The following is an entry in ClinVar:

ClinVar aggregate classification (germline): Likely pathogenic (1 of 4 stars; one submission).

Conditions:
Cockayne syndrome type 1. Also called: Cockayne syndrome type I; Cockayne syndrome classical; Cockayne syndrome classic form. Identifiers: Orphanet 191, Orphanet 90321, MedGen C0751039, MONDO:0019569, OMIM 216400.

Allele frequency attached by ClinVar (database versions not stated): gnomAD exomes below 0.00001.
gnomAD v4.1: 1 of 1,611,876 alleles (0.000062%); highest among the groups gnomAD compares: Non-Finnish European, 0.000085%; no homozygotes.

Submission:

Myriad Genetics, Inc.
Classification: Likely pathogenic for Cockayne syndrome type 1. Last evaluated: 2019-12-25. Review status: criteria provided, single submitter. Criteria: Myriad Women's Health Autosomal Recessive and X-Linked Classification Criteria (2019). Collection method: clinical testing. Allele origin: unknown.
Comment: NM_000082.3(ERCC8):c.642G>A(W214*) is expected to be pathogenic in the context of ERCC8-related disorders. This variant is predicted to lead to an abnormal or absent protein product due to the creation of a premature termination codon in ERCC8, a gene where loss-of-function variants are known to be pathogenic. Please note: this variant was assessed in the context of healthy population screening.

NM_000082.4(ERCC8):c.642G>A (p.Trp214Ter)

Gene: ERCC8 (ERCC excision repair 8, CSA ubiquitin ligase complex subunit; minus strand). Cytogenetic location: 5q12.1.
Variant type: single nucleotide variant.
Coding change: c.642G>A on transcript NM_000082.4 (MANE Select); coding-DNA position 642, G replaced by A.
Protein change: p.Trp214Ter; replaces tryptophan 214 with a stop codon.
Molecular consequence: nonsense.
Genome position (GRCh38, 1-based): chr5:60,899,703, C>T on the plus strand (G>A on the coding strand, the complement: ERCC8 is on the minus strand). VCF-style: chr5-60899703-C-T. GRCh37 (hg19) VCF-style: chr5-60195530-C-T.
Other names: c.468G>A, p.Trp156Ter (NM_001007233.3); c.183G>A, p.Trp61Ter (NM_001290285.2); short protein forms W156*, W214*, W61*.
Identifiers: ClinVar variation 984261 (VCV000984261.3), dbSNP rs1748819276, ClinGen allele CA359825750.